The following is an entry in ClinVar:

NM_001130438.3(SPTAN1):c.7229C>T (p.Ser2410Phe)

Gene: SPTAN1 (spectrin alpha, non-erythrocytic 1; plus strand). Cytogenetic location: 9q34.11.
Variant type: single nucleotide variant.
Coding change: c.7229C>T on transcript NM_001130438.3 (MANE Select); coding-DNA position 7229, C replaced by T.
Protein change: p.Ser2410Phe; replaces serine 2410 with phenylalanine.
Molecular consequence: missense variant.
Genome position (GRCh38, 1-based): chr9:128,632,876, C>T. VCF-style: chr9-128632876-C-T. GRCh37 (hg19) VCF-style: chr9-131395155-C-T.
Other names: c.7154C>T, p.Ser2385Phe (NM_001195532.2); c.7292C>T, p.Ser2431Phe (NM_001363759.2); c.7169C>T, p.Ser2390Phe (NM_001363765.2, NM_001375314.2); c.7316C>T, p.Ser2439Phe (NM_001375310.1); c.7229C>T, p.Ser2410Phe (NM_001375311.2); c.7265C>T, p.Ser2422Phe (NM_001375312.2); c.7211C>T, p.Ser2404Phe (NM_001375313.1); c.7328C>T, p.Ser2443Phe (NM_001375318.1); and 1 more; short protein forms S2385F, S2390F, S2404F, S2405F, S2410F, S2422F, S2431F, S2439F.
Identifiers: ClinVar variation 1701629 (VCV001701629.1), dbSNP rs2132106592, ClinGen allele CA375102214.
Genomic context (GRCh38, chr9:128,632,876, plus strand): 5'-ATGTCTCCTTGCAAGAATACATGGCTTTCATGATCAGCCGCGAAACTGAGAACGTCAAGT[C>T]CAGCGAGGAGATTGAGAGCGCCTTCCGGGCCCTCAGCTCAGAGGGAAAGCCTTACGTGAC-3'
Protein context (NP_001123910.1, residues 2400-2420): MISRETENVK[Ser2410Phe]SEEIESAFRA

ClinVar aggregate classification (germline): Pathogenic (1 of 4 stars; one submission).

Conditions:
Developmental and epileptic encephalopathy, 5 (DEE5). Identifiers: Orphanet 3451, MedGen C3150731, MONDO:0013277, OMIM 613477.

Submission:

New York Genome Center
Classification: Pathogenic for Developmental and epileptic encephalopathy, 5. Last evaluated: 2021-09-02. Review status: criteria provided, single submitter. Criteria: NYGC Assertion Criteria 2020. Collection method: clinical testing. Allele origin: de novo. Affected: yes. Observed: 1 heterozygote. Study: CSER-NYCKidSeq.
Comment: The de novo missense variant c.7214C>T, p.Ser2405Phe has not been reported in the literature for SPTAN1-related disorders. This variant is absent in the gnomAD v3 database, suggesting it is not a common benign variant in the populations represented in this database. The variant resides at the EF-hand domain. EF-hands are helix-loop-helix binding motifs involved in the regulation of many cellular processes. EF-hands usually bind to Ca2+ ions, which causes a major conformational change that allows the protein to interact with its designated targets (PMID:11573089). In silico tools predict a deleterious effect. Based on the available evidence, the missense variant c.7214C>T, p.Ser2405Phe in the SPTAN1 gene is classified as pathogenic.